The following is an entry in ClinVar:

ClinVar aggregate classification (germline): Likely benign. Review status: criteria provided, multiple submitters, no conflicts (2 of 4 stars). 2 submissions from 2 submitters: Likely benign (2). Last evaluated 2024-12-12.

Allele frequency attached by ClinVar (database versions not stated): gnomAD 0.00004; gnomAD exomes 0.00004 and 0.00006; ExAC 0.00006; TOPMed 0.00007; ESP Exome Variant Server 0.00008.
gnomAD v4.1: 86 of 1,609,766 alleles (0.0053%); highest among the groups gnomAD compares: Non-Finnish European, 0.0064%; no homozygotes.

Submissions (2):

Labcorp Genetics (formerly Invitae), Labcorp
Classification: Likely benign. Last evaluated: 2024-12-12. Review status: criteria provided, single submitter. Criteria: Invitae Variant Classification Sherloc (09022015). Collection method: clinical testing. Allele origin: germline.

CeGaT Center for Human Genetics Tuebingen
Classification: Likely benign. Last evaluated: 2023-08-01. Review status: criteria provided, single submitter. Criteria: CeGaT Center For Human Genetics Tuebingen Variant Classification Criteria Version 2. Collection method: clinical testing. Allele origin: germline. Affected: yes. Observed: 1 variant allele.
Comment: AHDC1: BP4, BP7

NM_001371928.1(AHDC1):c.930G>A (p.Pro310=)

Gene: AHDC1 (AT-hook DNA binding motif containing 1; minus strand). Cytogenetic location: 1p36.11.
Variant type: single nucleotide variant.
Coding change: c.930G>A on transcript NM_001371928.1 (MANE Select); coding-DNA position 930, G replaced by A.
Protein change: p.Pro310=; no amino-acid change (proline 310 retained).
Molecular consequence: synonymous variant.
Genome position (GRCh38, 1-based): chr1:27,551,186, C>T on the plus strand (G>A on the coding strand, the complement: AHDC1 is on the minus strand). VCF-style: chr1-27551186-C-T. GRCh37 (hg19) VCF-style: chr1-27877697-C-T.
Other names: c.930G>A, p.Pro310= (NM_001029882.3).
Identifiers: ClinVar variation 1429477 (VCV001429477.31), dbSNP rs372591512, ClinGen allele CA716054.